The following is an entry in ClinVar:

ClinVar aggregate classification (germline): Uncertain significance. Review status: criteria provided, single submitter (1 of 4 stars). 2 submissions from 2 submitters: Uncertain significance (1). 1 of the submissions does not count toward it. Last evaluated 2025-06-12.

Conditions:
ODAD1-related disorder. Also called: ODAD1-related condition.
Primary ciliary dyskinesia. Also called: Ciliary dyskinesia. Identifiers: Orphanet 244, MedGen C0008780, MONDO:0016575, HP:0012265.

gnomAD v4.1: 11 of 1,614,084 alleles (0.00068%); highest among the groups gnomAD compares: East Asian, 0.016%; no homozygotes.

Submissions (2):

Ambry Genetics
Classification: Uncertain significance for Primary ciliary dyskinesia. Last evaluated: 2025-06-12. Review status: criteria provided, single submitter. Criteria: Ambry Variant Classification Scheme 2023. Collection method: clinical testing. Allele origin: germline.
Comment: The p.Y290C variant (also known as c.869A>G), located in coding exon 7 of the CCDC114 gene, results from an A to G substitution at nucleotide position 869. The tyrosine at codon 290 is replaced by cysteine, an amino acid with highly dissimilar properties. This amino acid position is conserved. In addition, the in silico prediction for this alteration is inconclusive. Based on the available evidence, the clinical significance of this variant remains unclear.

PreventionGenetics, part of Exact Sciences
Classification: Uncertain significance for ODAD1-related condition. Last evaluated: 2024-08-27. Review status: no assertion criteria provided. Collection method: clinical testing. Allele origin: germline. Not counted in ClinVar's aggregate classification.
Comment: The ODAD1 c.869A>G variant is predicted to result in the amino acid substitution p.Tyr290Cys. To our knowledge, this variant has not been reported in the literature. This variant is reported in 0.011% of alleles in individuals of East Asian descent in gnomAD. At this time, the clinical significance of this variant is uncertain due to the absence of conclusive functional and genetic evidence.

NM_001364171.2(ODAD1):c.980A>G (p.Tyr327Cys)

Gene: ODAD1 (outer dynein arm docking complex subunit 1; minus strand). Cytogenetic location: 19q13.33.
Variant type: single nucleotide variant.
Coding change: c.980A>G on transcript NM_001364171.2 (MANE Select); coding-DNA position 980, A replaced by G.
Protein change: p.Tyr327Cys; replaces tyrosine 327 with cysteine.
Molecular consequence: missense variant.
Genome position (GRCh38, 1-based): chr19:48,303,658, T>C on the plus strand (A>G on the coding strand, the complement: ODAD1 is on the minus strand). VCF-style: chr19-48303658-T-C. GRCh37 (hg19) VCF-style: chr19-48806915-T-C.
Other names: c.869A>G, p.Tyr290Cys (NM_144577.4); short protein forms Y290C, Y327C.
Identifiers: ClinVar variation 3353568 (VCV003353568.2).